The following is an entry in ClinVar:

NM_005560.6(LAMA5):c.6301G>A (p.Glu2101Lys)

Gene: LAMA5 (laminin subunit alpha 5; minus strand). Cytogenetic location: 20q13.33.
Variant type: single nucleotide variant.
Coding change: c.6301G>A on transcript NM_005560.6 (MANE Select); coding-DNA position 6301, G replaced by A.
Protein change: p.Glu2101Lys; replaces glutamic acid 2101 with lysine.
Molecular consequence: missense variant.
Genome position (GRCh38, 1-based): chr20:62,322,314, C>T on the plus strand (G>A on the coding strand, the complement: LAMA5 is on the minus strand). VCF-style: chr20-62322314-C-T. GRCh37 (hg19) VCF-style: chr20-60897370-C-T.
Other names: short protein forms E2101K.
Identifiers: ClinVar variation 599491 (VCV000599491.4), dbSNP rs370433088, ClinGen allele CA9941816.

ClinVar aggregate classification (germline): Uncertain significance. Review status: criteria provided, single submitter (1 of 4 stars). 2 submissions from 2 submitters: Uncertain significance (1). 1 of the submissions does not count toward it. Last evaluated 2022-06-02.

Conditions:
Short stature. Identifiers: MedGen C0349588, HP:0004322.

Allele frequency attached by ClinVar (database versions not stated): gnomAD 0.00009 and 0.00010; ESP Exome Variant Server 0.00023; gnomAD exomes 0.00010; ExAC 0.00015; TOPMed 0.00010.
gnomAD v4.1: 219 of 1,600,256 alleles (0.014%); highest among the groups gnomAD compares: South Asian, 0.044%; no homozygotes.

Submissions (3):

Labcorp Genetics (formerly Invitae), Labcorp
Classification: Uncertain significance. Last evaluated: 2022-06-02. Review status: criteria provided, single submitter. Criteria: Invitae Variant Classification Sherloc (09022015). Collection method: clinical testing. Allele origin: germline.
Comment: In summary, the available evidence is currently insufficient to determine the role of this variant in disease. Therefore, it has been classified as a Variant of Uncertain Significance. Algorithms developed to predict the effect of missense changes on protein structure and function (SIFT, PolyPhen-2, Align-GVGD) all suggest that this variant is likely to be tolerated. ClinVar contains an entry for this variant (Variation ID: 599491). This variant has not been reported in the literature in individuals affected with LAMA5-related conditions. This variant is present in population databases (rs370433088, gnomAD 0.03%). This sequence change replaces glutamic acid, which is acidic and polar, with lysine, which is basic and polar, at codon 2101 of the LAMA5 protein (p.Glu2101Lys).

Institute of Human Genetics, FAU Erlangen, Friedrich-Alexander-Universität Erlangen-Nürnberg
Classification: Likely pathogenic for Short stature. Last evaluated: 2001-11-18. Review status: no assertion criteria provided. Collection method: case-control. Allele origin: paternal. Affected: yes. Not counted in ClinVar's aggregate classification.

Dr. Peter K. Rogan Lab, Western University
No classification provided (evidence only). Condition: Lung cancer. Review status: no classification provided. Collection method: in vitro. Allele origin: not applicable. Functional consequence: retained intron. Not counted in ClinVar's aggregate classification.